The following is an entry in ClinVar:

NM_002143.3(HPCA):c.45C>A (p.Asp15Glu)

Gene: HPCA (hippocalcin; plus strand). Cytogenetic location: 1p35.1.
Variant type: single nucleotide variant.
Coding change: c.45C>A on transcript NM_002143.3 (MANE Select); coding-DNA position 45, C replaced by A.
Protein change: p.Asp15Glu; replaces aspartic acid 15 with glutamic acid.
Molecular consequence: missense variant.
Genome position (GRCh38, 1-based): chr1:32,888,943, C>A. VCF-style: chr1-32888943-C-A. GRCh37 (hg19) VCF-style: chr1-33354544-C-A.
Other names: short protein forms D15E.
Identifiers: ClinVar variation 4768998 (VCV004768998.1).

ClinVar aggregate classification (germline): Uncertain significance (1 of 4 stars; one submission).

gnomAD v4.1: 2 of 1,613,808 alleles (0.00012%); highest among the groups gnomAD compares: Non-Finnish European, 0.00017%; no homozygotes.

Submission:

Labcorp Genetics (formerly Invitae), Labcorp
Classification: Uncertain significance. Last evaluated: 2025-08-17. Review status: criteria provided, single submitter. Criteria: Invitae Variant Classification Sherloc (09022015). Collection method: clinical testing. Allele origin: germline.
Comment: This sequence change replaces aspartic acid, which is acidic and polar, with glutamic acid, which is acidic and polar, at codon 15 of the HPCA protein (p.Asp15Glu). This variant is present in population databases (no rsID available, gnomAD 0.0009%). This variant has not been reported in the literature in individuals affected with HPCA-related conditions. An algorithm developed to predict the effect of missense changes on protein structure and function (PolyPhen-2) suggests that this variant is likely to be tolerated. In summary, the available evidence is currently insufficient to determine the role of this variant in disease. Therefore, it has been classified as a Variant of Uncertain Significance.